The following is an entry in ClinVar:

ClinVar aggregate classification (germline): Uncertain significance (1 of 4 stars; one submission).

Submission:

Labcorp Genetics (formerly Invitae), Labcorp
Classification: Uncertain significance. Last evaluated: 2024-10-21. Review status: criteria provided, single submitter. Criteria: Invitae Variant Classification Sherloc (09022015). Collection method: clinical testing. Allele origin: germline.
Comment: This sequence change replaces serine, which is neutral and polar, with isoleucine, which is neutral and non-polar, at codon 1505 of the ADGRV1 protein (p.Ser1505Ile). This variant is not present in population databases (gnomAD no frequency). This variant has not been reported in the literature in individuals affected with ADGRV1-related conditions. ClinVar contains an entry for this variant (Variation ID: 1053751). Invitae Evidence Modeling of protein sequence and biophysical properties (such as structural, functional, and spatial information, amino acid conservation, physicochemical variation, residue mobility, and thermodynamic stability) indicates that this missense variant is not expected to disrupt ADGRV1 protein function with a negative predictive value of 95%. In summary, the available evidence is currently insufficient to determine the role of this variant in disease. Therefore, it has been classified as a Variant of Uncertain Significance.

NM_032119.4(ADGRV1):c.4514G>T (p.Ser1505Ile)

Gene: ADGRV1 (adhesion G protein-coupled receptor V1; plus strand). Cytogenetic location: 5q14.3.
Variant type: single nucleotide variant.
Coding change: c.4514G>T on transcript NM_032119.4 (MANE Select); coding-DNA position 4514, G replaced by T.
Protein change: p.Ser1505Ile; replaces serine 1505 with isoleucine.
Molecular consequence: missense variant. On other transcripts: non-coding transcript variant (1).
Genome position (GRCh38, 1-based): chr5:90,658,040, G>T. VCF-style: chr5-90658040-G-T. GRCh37 (hg19) VCF-style: chr5-89953857-G-T.
Other names: short protein forms S1505I.
Identifiers: ClinVar variation 1053751 (VCV001053751.9), dbSNP rs2149480364, ClinGen allele CA360403891.
Genomic context (GRCh38, chr5:90,658,040, plus strand): 5'-CCTATGAGCGGAAACTGACGCTTGAAGAAATTTATGAACTTCATGCCATGCCCGCAAAAA[G>T]TGATTTACACCCAATTTCTGGATATCTGGAGTTCAGACAGGGAGAAACTAACAAATCATT-3'
Protein context (NP_115495.3, residues 1495-1515): IYELHAMPAK[Ser1505Ile]DLHPISGYLE